The following is an entry in ClinVar:

NM_020937.4(FANCM):c.3174T>G (p.Asn1058Lys)

Gene: FANCM (FA complementation group M; plus strand). Cytogenetic location: 14q21.2.
Variant type: single nucleotide variant.
Coding change: c.3174T>G on transcript NM_020937.4 (MANE Select); coding-DNA position 3174, T replaced by G.
Protein change: p.Asn1058Lys; replaces asparagine 1058 with lysine.
Molecular consequence: missense variant.
Genome position (GRCh38, 1-based): chr14:45,175,928, T>G. VCF-style: chr14-45175928-T-G. GRCh37 (hg19) VCF-style: chr14-45645131-T-G.
Other names: c.3096T>G, p.Asn1032Lys (NM_001308133.2); short protein forms N1032K, N1058K.
Identifiers: ClinVar variation 4871100 (VCV004871100.1).

ClinVar aggregate classification (germline): Uncertain significance (1 of 4 stars; one submission).

Conditions:
Inborn genetic diseases. Identifiers: MedGen C0950123, MeSH D030342.

Submission:

Ambry Genetics
Classification: Uncertain significance for Inborn genetic diseases. Last evaluated: 2026-04-25. Review status: criteria provided, single submitter. Criteria: Ambry Variant Classification Scheme 2023. Collection method: clinical testing. Allele origin: germline.
Comment: The p.N1058K variant (also known as c.3174T>G), located in coding exon 14 of the FANCM gene, results from a T to G substitution at nucleotide position 3174. The asparagine at codon 1058 is replaced by lysine, an amino acid with similar properties. This amino acid position is conserved. In addition, this alteration is predicted to be tolerated by in silico analysis. Based on the available evidence, the clinical significance of this variant remains unclear.